The following is an entry in ClinVar:

ClinVar aggregate classification (germline): Benign. Review status: criteria provided, multiple submitters, no conflicts (2 of 4 stars). 7 submissions from 4 submitters: Benign (7). Last evaluated 2024-07-15.

Conditions:
Seizures, benign familial infantile, 5 (BFIS5). Also called: CONVULSIONS, BENIGN FAMILIAL INFANTILE, 5. Identifiers: Orphanet 306, MedGen C4310728, MONDO:0014903, OMIM 617080.
Myoclonus, familial, 2. Identifiers: MedGen C5193056, MONDO:0100092, OMIM 618364.
Developmental and epileptic encephalopathy, 13 (DEE13). Also called: Early infantile epileptic encephalopathy 13; SCN8A-Related Epilepsy; Developmental and Epileptic Encephalopathy (SCN8A-DEE). Identifiers: Orphanet 442835, MedGen C3281191, MONDO:0013801, OMIM 614558.
Cognitive impairment with or without cerebellar ataxia (CIAT). Identifiers: MedGen C3280415, MONDO:0013680, OMIM 614306.

Allele frequency attached by ClinVar (database versions not stated): ESP Exome Variant Server 0.86464; 1000 Genomes Project 30x 0.84494; 1000 Genomes Project 0.84605; TOPMed 0.87692; gnomAD exomes 0.87984.
gnomAD v4.1: 1,404,093 of 1,596,908 alleles (88%); highest among the groups gnomAD compares: East Asian, 98%; 619,719 homozygotes.

Submissions (7):

Unidad de Genómica Garrahan, Hospital de Pediatría Garrahan
Classification: Benign. Last evaluated: 2024-07-15. Review status: criteria provided, single submitter. Criteria: ACMG Guidelines, 2015. Collection method: clinical testing. Allele origin: germline. Affected: no. Observed: 92 variant alleles.
Comment: This variant is classified as Benign based on local population frequency. This variant was detected in 99% of patients studied in a panel designed for Epileptic and Developmental Encephalopathy and Progressive Myoclonus Epilepsy. Number of patients: 92. Only high quality variants are reported.

Genome-Nilou Lab
Classification: Benign for Myoclonus, familial, 2. Last evaluated: 2021-07-15. Review status: criteria provided, single submitter. Criteria: ACMG Guidelines, 2015. Collection method: clinical testing. Allele origin: germline. Affected: no.

Genome-Nilou Lab
Classification: Benign for Cognitive impairment with or without cerebellar ataxia. Last evaluated: 2021-07-15. Review status: criteria provided, single submitter. Criteria: ACMG Guidelines, 2015. Collection method: clinical testing. Allele origin: germline. Affected: no.

Genome-Nilou Lab
Classification: Benign for Developmental and epileptic encephalopathy, 13. Last evaluated: 2021-07-15. Review status: criteria provided, single submitter. Criteria: ACMG Guidelines, 2015. Collection method: clinical testing. Allele origin: germline. Affected: no.

Genome-Nilou Lab
Classification: Benign for Seizures, benign familial infantile, 5. Last evaluated: 2021-07-15. Review status: criteria provided, single submitter. Criteria: ACMG Guidelines, 2015. Collection method: clinical testing. Allele origin: germline. Affected: no.

GeneDx
Classification: Benign. Last evaluated: 2018-06-25. Review status: criteria provided, single submitter. Criteria: GeneDx Variant Classification Process June 2021. Collection method: clinical testing. Allele origin: germline. Affected: yes.

Breakthrough Genomics
Classification: Benign. Review status: criteria provided, single submitter. Criteria: ACMG Guidelines, 2015. Collection method: not provided. Allele origin: germline. Inheritance: Autosomal dominant inheritance. Affected: yes.

NM_001330260.2(SCN8A):c.2371-32A>C

Gene: SCN8A (sodium voltage-gated channel alpha subunit 8; plus strand). Cytogenetic location: 12q13.13.
Variant type: single nucleotide variant.
Coding change: c.2371-32A>C on transcript NM_001330260.2 (MANE Select); 32 bases into the intron before coding-DNA position 2371, A replaced by C.
Molecular consequence: intron variant.
Genome position (GRCh38, 1-based): chr12:51,762,471, A>C. VCF-style: chr12-51762471-A-C. GRCh37 (hg19) VCF-style: chr12-52156255-A-C.
Other names: c.2371-32A>C (NM_014191.4, NM_001177984.3, NM_001369788.1).
Identifiers: ClinVar variation 1250894 (VCV001250894.7), dbSNP rs303767, ClinGen allele CA6571467.